The following is an entry in ClinVar:

NM_001242896.3(DEPDC5):c.2107_2515+2dup

Gene: DEPDC5 (DEP domain containing 5, GATOR1 subcomplex subunit; plus strand). Cytogenetic location: 22q12.3.
Variant type: Duplication.
Coding change: c.2107_2515+2dup on transcript NM_001242896.3 (MANE Select); coding-DNA position 2107 through the canonical splice donor site of the intron after coding-DNA position 2515, 4,931 bases duplicated.
Molecular consequence: splice acceptor variant, splice donor variant.
Genome position (GRCh38, 1-based): chr22:31,833,917-31,838,847, 4,931 bases duplicated. GRCh37 (hg19): chr22:32,229,903-32,234,833.
Other names: c.2107_2488+2dup (NM_001136029.4, NM_001369903.1, NM_014662.6); c.1873_2281+2dup (NM_001242897.2, NM_001363854.2, NM_001364319.2); c.2107_2515+2dup (NM_001363852.2, NM_001364318.2, NM_001364320.2); c.2023_2431+2dup (NM_001369901.1, NM_001369902.1).
Identifiers: ClinVar variation 979169 (VCV000979169.2), ClinGen allele CA1139667071.

ClinVar aggregate classification (germline): Likely pathogenic (1 of 4 stars; one submission).

Conditions:
Seizure. Also called: Seizures. Identifiers: MedGen C0036572, HP:0001250.

Submission:

Cytogénomique, Hospices Civils de Lyon
Classification: Likely pathogenic for Seizure. Last evaluated: 2020-04-20. Review status: criteria provided, single submitter. Criteria: ACMG Guidelines, 2015. Collection method: clinical testing. Allele origin: maternal. Inheritance: Autosomal dominant inheritance. Affected: yes. Observed: 1 variant allele, 1 heterozygote.
Comment: Duplication of exons 24 to 26 absent from public databases. Positive Genotype/phenotype correlation within the family.